The following is an entry in ClinVar:

NM_177924.5(ASAH1):c.470A>G (p.His157Arg)

Gene: ASAH1 (N-acylsphingosine amidohydrolase 1; minus strand). Cytogenetic location: 8p22.
Variant type: single nucleotide variant.
Coding change: c.470A>G on transcript NM_177924.5 (MANE Select); coding-DNA position 470, A replaced by G.
Protein change: p.His157Arg; replaces histidine 157 with arginine.
Molecular consequence: missense variant.
Genome position (GRCh38, 1-based): chr8:18,063,218, T>C on the plus strand (A>G on the coding strand, the complement: ASAH1 is on the minus strand). VCF-style: chr8-18063218-T-C. GRCh37 (hg19) VCF-style: chr8-17920727-T-C.
Other names: c.452A>G, p.His151Arg (NM_001127505.3); c.275A>G, p.His92Arg (NM_001363743.2); c.518A>G, p.His173Arg (NM_004315.6); short protein forms H173R, H157R, H151R, H92R.
Identifiers: ClinVar variation 2133328 (VCV002133328.4), dbSNP rs2537932998, ClinGen allele CA370431168.

ClinVar aggregate classification (germline): Uncertain significance (1 of 4 stars; one submission).

Allele frequency attached by ClinVar (database versions not stated): gnomAD exomes below 0.00001.
gnomAD v4.1: 1 of 1,613,650 alleles (0.000062%); highest among the groups gnomAD compares: East Asian, 0.0022%; no homozygotes.

Submission:

Labcorp Genetics (formerly Invitae), Labcorp
Classification: Uncertain significance. Last evaluated: 2025-10-01. Review status: criteria provided, single submitter. Criteria: Invitae Variant Classification Sherloc (09022015). Collection method: clinical testing. Allele origin: germline.
Comment: This sequence change replaces histidine, which is basic and polar, with arginine, which is basic and polar, at codon 157 of the ASAH1 protein (p.His157Arg). This variant is not present in population databases (gnomAD no frequency). This variant has not been reported in the literature in individuals affected with ASAH1-related conditions. ClinVar contains an entry for this variant (Variation ID: 2133328). Invitae Evidence Modeling of protein sequence and biophysical properties (such as structural, functional, and spatial information, amino acid conservation, physicochemical variation, residue mobility, and thermodynamic stability) indicates that this missense variant is expected to disrupt ASAH1 protein function with a positive predictive value of 80%. In summary, the available evidence is currently insufficient to determine the role of this variant in disease. Therefore, it has been classified as a Variant of Uncertain Significance.